The following is an entry in ClinVar:

ClinVar aggregate classification (germline): Pathogenic (1 of 4 stars; one submission).

Conditions:
Malignant hyperthermia, susceptibility to, 5 (MHS5). Also called: CACNA1S-Related Malignant Hyperthermia Susceptibility. Identifiers: Orphanet 423, MedGen C1866077, MONDO:0011163, OMIM 601887.
Hypokalemic periodic paralysis, type 1. Also called: Hypokalemic Periodic Paralysis Type 1 (AD); HypoPP. Identifiers: Orphanet 681, MedGen C3714580, MONDO:0042979, OMIM 170400.

Submission:

Labcorp Genetics (formerly Invitae), Labcorp
Classification: Pathogenic for Hypokalemic periodic paralysis, type 1; Malignant hyperthermia, susceptibility to, 5. Last evaluated: 2023-09-26. Review status: criteria provided, single submitter. Criteria: Invitae Variant Classification Sherloc (09022015). Collection method: clinical testing. Allele origin: germline.
Comment: For these reasons, this variant has been classified as Pathogenic. This variant has not been reported in the literature in individuals affected with CACNA1S-related conditions. This variant is not present in population databases (gnomAD no frequency). This sequence change creates a premature translational stop signal (p.Trp1325*) in the CACNA1S gene. It is expected to result in an absent or disrupted protein product. Loss-of-function variants in CACNA1S are known to be pathogenic (PMID: 26247046, 28012042).

Literature cited by the submitters: PubMed 26247046; PubMed 28012042.

NM_000069.3(CACNA1S):c.3975G>A (p.Trp1325Ter)

Gene: CACNA1S (calcium voltage-gated channel subunit alpha1 S; minus strand). Cytogenetic location: 1q32.1.
Variant type: single nucleotide variant.
Coding change: c.3975G>A on transcript NM_000069.3 (MANE Select); coding-DNA position 3975, G replaced by A.
Protein change: p.Trp1325Ter; replaces tryptophan 1325 with a stop codon.
Molecular consequence: nonsense.
Genome position (GRCh38, 1-based): chr1:201,051,122, C>T on the plus strand (G>A on the coding strand, the complement: CACNA1S is on the minus strand). VCF-style: chr1-201051122-C-T. GRCh37 (hg19) VCF-style: chr1-201020250-C-T.
Other names: short protein forms W1325*.
Identifiers: ClinVar variation 2953131 (VCV002953131.3), dbSNP rs2464447576, ClinGen allele CA344150900.